The following is an entry in ClinVar:

ClinVar aggregate classification (germline): Likely pathogenic (1 of 4 stars; one submission).

Conditions:
Polycystic kidney disease 4 (PKD4). Also called: POLYCYSTIC KIDNEY DISEASE 4 WITH OR WITHOUT POLYCYSTIC LIVER DISEASE; POLYCYSTIC KIDNEY AND HEPATIC DISEASE 1; POLYCYSTIC KIDNEY DISEASE, INFANTILE, TYPE I; PKD3; Autosomal Recessive Polycystic Kidney Disease – PKHD1. Identifiers: MedGen C4540575, MONDO:0033004, OMIM 263200.

gnomAD v4.1: 2 of 1,609,146 alleles (0.00012%); highest among the groups gnomAD compares: South Asian, 0.0022%; no homozygotes.

Submission:

Juno Genomics, Hangzhou Juno Genomics, Inc
Classification: Likely pathogenic for Polycystic kidney disease 4. Review status: criteria provided, single submitter. Criteria: ACMG Guidelines, 2015. Collection method: clinical testing. Allele origin: germline.
Comment: Null variant in a gene where loss of function (LOF) is a known mechanism of disease.;Absent from controls (or at extremely low frequency if recessive) in Genome Aggregation Database.

NM_138694.4(PKHD1):c.6866-2A>G

Gene: PKHD1 (PKHD1 ciliary IPT domain containing fibrocystin/polyductin; minus strand). Cytogenetic location: 6p12.2.
Variant type: single nucleotide variant.
Coding change: c.6866-2A>G on transcript NM_138694.4 (MANE Select); the canonical splice acceptor site of the intron before coding-DNA position 6866, A replaced by G.
Molecular consequence: splice acceptor variant.
Genome position (GRCh38, 1-based): chr6:51,903,729, T>C on the plus strand (A>G on the coding strand, the complement: PKHD1 is on the minus strand). VCF-style: chr6-51903729-T-C. GRCh37 (hg19) VCF-style: chr6-51768527-T-C.
Other names: c.6866-2A>G (NM_170724.3).
Identifiers: ClinVar variation 5007079 (VCV005007079.2).
Genomic context (GRCh38, chr6:51,903,729, plus strand): 5'-GGCACCAGAAACCTGGATGATCACGTTGTTTCTTATTATATTTCCATGTCCTGACCAGTC[T>C]AATGTTTCAACAAATCCAGGGGATCCACAAACATAATTAAAATGTACTCAACTCAACACC-3'